The following is an entry in ClinVar:

ClinVar aggregate classification (germline): Uncertain significance (1 of 4 stars; one submission).

Submission:

Labcorp Genetics (formerly Invitae), Labcorp
Classification: Uncertain significance. Last evaluated: 2024-05-15. Review status: criteria provided, single submitter. Criteria: Invitae Variant Classification Sherloc (09022015). Collection method: clinical testing. Allele origin: germline.
Comment: This sequence change replaces cysteine, which is neutral and slightly polar, with serine, which is neutral and polar, at codon 2192 of the PCLO protein (p.Cys2192Ser). This variant is not present in population databases (gnomAD no frequency). This variant has not been reported in the literature in individuals affected with PCLO-related conditions. ClinVar contains an entry for this variant (Variation ID: 1442480). Algorithms developed to predict the effect of missense changes on protein structure and function output the following: SIFT: "Not Available"; PolyPhen-2: "Not Available"; Align-GVGD: "Not Available". The serine amino acid residue is found in multiple mammalian species, which suggests that this missense change does not adversely affect protein function. In summary, the available evidence is currently insufficient to determine the role of this variant in disease. Therefore, it has been classified as a Variant of Uncertain Significance.

NM_033026.6(PCLO):c.6574T>A (p.Cys2192Ser)

Gene: PCLO (piccolo presynaptic cytomatrix protein; minus strand). Cytogenetic location: 7q21.11.
Variant type: single nucleotide variant.
Coding change: c.6574T>A on transcript NM_033026.6 (MANE Select); coding-DNA position 6574, T replaced by A.
Protein change: p.Cys2192Ser; replaces cysteine 2192 with serine.
Molecular consequence: missense variant.
Genome position (GRCh38, 1-based): chr7:82,954,379, A>T on the plus strand (T>A on the coding strand, the complement: PCLO is on the minus strand). VCF-style: chr7-82954379-A-T. GRCh37 (hg19) VCF-style: chr7-82583695-A-T.
Other names: c.6574T>A, p.Cys2192Ser (NM_014510.3); short protein forms C2192S.
Identifiers: ClinVar variation 1442480 (VCV001442480.7), dbSNP rs372903743, ClinGen allele CA367918989.
Genomic context (GRCh38, chr7:82,954,379, plus strand): 5'-CTGTATAAACTGTGGTTATGCTATCCAGGGTAGTAATGGGTGAAGAGCTATCTGTGGTAC[A>T]GACCGAAGAAACAGATGATGTGAGAGAAGGTGTGTCAGAGGGTGGGACAGATGTAGCACT-3'
Protein context (NP_149015.2, residues 2182-2202): PSLTSSVSSV[Cys2192Ser]TTDSSSPITT